The following is an entry in ClinVar:

ClinVar aggregate classification (germline): Conflicting classifications of pathogenicity. Review status: criteria provided, conflicting classifications (1 of 4 stars). 6 submissions from 6 submitters: Uncertain significance (1); Benign (2); Likely benign (3). Last evaluated 2026-07-01.

Conditions:
PEX14-related disorder. Also called: PEX14-related condition.
Peroxisome biogenesis disorder, complementation group K (CGK). Identifiers: MedGen C1866257, MONDO:0800365.
Peroxisome biogenesis disorder 13A (Zellweger). Also called: Peroxisome biogenesis disorder 13A. Identifiers: Orphanet 912, MedGen C3554004, MONDO:0013952, OMIM 614887.

Allele frequency attached by ClinVar (database versions not stated): 1000 Genomes Project 0.00260; 1000 Genomes Project 30x 0.00297; gnomAD exomes 0.00345 and 0.00707; ExAC 0.00348; TOPMed 0.00423; gnomAD 0.00446 and 0.00451; ESP Exome Variant Server 0.00546.
gnomAD v4.1: 10,730 of 1,590,558 alleles (0.67%); highest among the groups gnomAD compares: Non-Finnish European, 0.86%; 42 homozygotes.

Submissions (6):

CeGaT Center for Human Genetics Tuebingen
Classification: Likely benign. Last evaluated: 2026-07-01. Review status: criteria provided, single submitter. Criteria: CeGaT Center For Human Genetics Tuebingen Variant Classification Criteria Version 2. Collection method: clinical testing. Allele origin: germline. Affected: yes. Observed: 10 variant alleles.
Comment: PEX14: BP4, BP7, BS2

Labcorp Genetics (formerly Invitae), Labcorp
Classification: Benign for Peroxisome biogenesis disorder, complementation group K. Last evaluated: 2026-02-04. Review status: criteria provided, single submitter. Criteria: Invitae Variant Classification Sherloc (09022015). Collection method: clinical testing. Allele origin: germline.

PreventionGenetics, part of Exact Sciences
Classification: Likely benign for PEX14-related condition. Last evaluated: 2025-12-08. Review status: criteria provided, single submitter. Criteria: ACMG Guidelines, 2015. Collection method: clinical testing. Allele origin: germline.
Comment: This variant is classified as likely benign based on ACMG/AMP sequence variant interpretation guidelines (Richards et al. 2015 PMID: 25741868, with internal and published modifications).

Mayo Clinic Laboratories, Mayo Clinic
Classification: Benign. Last evaluated: 2021-10-25. Review status: criteria provided, single submitter. Criteria: ACMG Guidelines, 2015. Collection method: clinical testing. Allele origin: germline. Observed: 6 variant alleles.
Comment: BS1, BS2, BP4, BP7

Illumina Laboratory Services, Illumina
Classification: Uncertain significance for Peroxisome biogenesis disorder 13A (Zellweger). Last evaluated: 2018-01-13. Review status: criteria provided, single submitter. Criteria: ICSL Variant Classification Criteria 13 December 2019. Collection method: clinical testing. Allele origin: germline.

Eurofins Ntd Llc (ga)
Classification: Likely benign. Last evaluated: 2016-01-26. Review status: criteria provided, single submitter. Criteria: EGL Classification Definitions 2015. Collection method: clinical testing. Allele origin: germline. Observed: 1 variant allele, 1 heterozygote.

NM_004565.3(PEX14):c.795A>G (p.Ser265=)

Gene: PEX14 (peroxisomal biogenesis factor 14; plus strand). Cytogenetic location: 1p36.22.
Variant type: single nucleotide variant.
Coding change: c.795A>G on transcript NM_004565.3 (MANE Select); coding-DNA position 795, A replaced by G.
Protein change: p.Ser265=; no amino-acid change (serine 265 retained).
Molecular consequence: synonymous variant.
Genome position (GRCh38, 1-based): chr1:10,629,648, A>G. VCF-style: chr1-10629648-A-G. GRCh37 (hg19) VCF-style: chr1-10689705-A-G.
Other names: p.Ser265=.
Identifiers: ClinVar variation 286053 (VCV000286053.45), dbSNP rs41274484, ClinGen allele CA583967.